The following is an entry in ClinVar:

NM_025114.4(CEP290):c.4078A>C (p.Lys1360Gln)

Gene: CEP290 (centrosomal protein 290; minus strand). Cytogenetic location: 12q21.32.
Variant type: single nucleotide variant.
Coding change: c.4078A>C on transcript NM_025114.4 (MANE Select); coding-DNA position 4078, A replaced by C.
Protein change: p.Lys1360Gln; replaces lysine 1360 with glutamine.
Molecular consequence: missense variant.
Genome position (GRCh38, 1-based): chr12:88,087,896, T>G on the plus strand (A>C on the coding strand, the complement: CEP290 is on the minus strand). VCF-style: chr12-88087896-T-G. GRCh37 (hg19) VCF-style: chr12-88481673-T-G.
Other names: short protein forms K1360Q.
Identifiers: ClinVar variation 3266156 (VCV003266156.3).

ClinVar aggregate classification (germline): Uncertain significance. Review status: criteria provided, multiple submitters, no conflicts (2 of 4 stars). 3 submissions from 3 submitters: Uncertain significance (2). 1 of the submissions does not count toward it. Last evaluated 2024-06-17.

Conditions:
CEP290-related disorder. Also called: CEP290-related condition; CEP290-related disorders. Identifiers: MedGen CN239314.
Meckel syndrome, type 4 (MKS4). Also called: MECKEL-GRUBER SYNDROME, TYPE 4. Identifiers: Orphanet 564, MedGen C1970161, MONDO:0012626, OMIM 611134.
Joubert syndrome 5 (JBTS5). Identifiers: Orphanet 2318, MedGen C1857780, MONDO:0012432, OMIM 610188.
Bardet-Biedl syndrome 14 (BBS14). Identifiers: Orphanet 110, MedGen C2673874, MONDO:0014442, OMIM 615991.
Leber congenital amaurosis 10 (LCA10). Identifiers: Orphanet 65, MedGen C1857821, MONDO:0012723, OMIM 611755.
Senior-Loken syndrome 6 (SLSN6). Identifiers: Orphanet 3156, MedGen C1857779, MONDO:0012433, OMIM 610189.
Inborn genetic diseases. Identifiers: MedGen C0950123, MeSH D030342.

gnomAD v4.1: 7 of 1,228,486 alleles (0.00057%); highest among the groups gnomAD compares: African/African-American, 0.011%; no homozygotes.

Submissions (3):

Ambry Genetics
Classification: Uncertain significance for Inborn genetic diseases. Last evaluated: 2024-06-17. Review status: criteria provided, single submitter. Criteria: Ambry Variant Classification Scheme 2023. Collection method: clinical testing. Allele origin: germline.

Fulgent Genetics
Classification: Uncertain significance for Joubert syndrome 5; Senior-Loken syndrome 6; Meckel syndrome, type 4; Leber congenital amaurosis 10; Bardet-Biedl syndrome 14. Last evaluated: 2024-01-09. Review status: criteria provided, single submitter. Criteria: ACMG Guidelines, 2015. Collection method: clinical testing. Allele origin: germline.

PreventionGenetics, part of Exact Sciences
Classification: Uncertain significance for CEP290-related condition. Last evaluated: 2024-02-29. Review status: no assertion criteria provided. Collection method: clinical testing. Allele origin: germline. Not counted in ClinVar's aggregate classification.
Comment: The CEP290 c.4078A>C variant is predicted to result in the amino acid substitution p.Lys1360Gln. To our knowledge, this variant has not been reported in the literature or in a large population database, indicating this variant is rare. At this time, the clinical significance of this variant is uncertain due to the absence of conclusive functional and genetic evidence.